The following is an entry in ClinVar:

NM_007055.4(POLR3A):c.1908C>T (p.Ser636=)

Gene: POLR3A (RNA polymerase III subunit A; minus strand). Cytogenetic location: 10q22.3.
Variant type: single nucleotide variant.
Coding change: c.1908C>T on transcript NM_007055.4 (MANE Select); coding-DNA position 1908, C replaced by T.
Protein change: p.Ser636=; no amino-acid change (serine 636 retained).
Molecular consequence: synonymous variant.
Genome position (GRCh38, 1-based): chr10:78,009,538, G>A on the plus strand (C>T on the coding strand, the complement: POLR3A is on the minus strand). VCF-style: chr10-78009538-G-A. GRCh37 (hg19) VCF-style: chr10-79769296-G-A.
Identifiers: ClinVar variation 1472597 (VCV001472597.6), dbSNP rs2131949174, ClinGen allele CA470397884.

ClinVar aggregate classification (germline): Uncertain significance (1 of 4 stars; one submission).

Allele frequency attached by ClinVar (database versions not stated): gnomAD exomes below 0.00001.
gnomAD v4.1: 1 of 1,614,212 alleles (0.000062%); highest among the groups gnomAD compares: Admixed American, 0.0017%; no homozygotes.

Submission:

Labcorp Genetics (formerly Invitae), Labcorp
Classification: Uncertain significance. Last evaluated: 2021-09-19. Review status: criteria provided, single submitter. Criteria: Invitae Variant Classification Sherloc (09022015). Collection method: clinical testing. Allele origin: germline.
Comment: In summary, the available evidence is currently insufficient to determine the role of this variant in disease. Therefore, it has been classified as a Variant of Uncertain Significance. Algorithms developed to predict the effect of sequence changes on RNA splicing suggest that this variant is not likely to affect RNA splicing. This variant has not been reported in the literature in individuals affected with POLR3A-related conditions. This variant is not present in population databases (ExAC no frequency). This sequence change affects codon 636 of the POLR3A mRNA. It is a 'silent' change, meaning that it does not change the encoded amino acid sequence of the POLR3A protein. It affects a nucleotide within the consensus splice site of the intron.